The following is an entry in ClinVar:

NM_000070.3(CAPN3):c.363C>G (p.Ile121Met)

Gene: CAPN3 (calpain 3; plus strand). Cytogenetic location: 15q15.1.
Variant type: single nucleotide variant.
Coding change: c.363C>G on transcript NM_000070.3 (MANE Select); coding-DNA position 363, C replaced by G.
Protein change: p.Ile121Met; replaces isoleucine 121 with methionine.
Molecular consequence: missense variant.
Genome position (GRCh38, 1-based): chr15:42,384,536, C>G. VCF-style: chr15-42384536-C-G. GRCh37 (hg19) VCF-style: chr15-42676734-C-G.
Other names: NM_000070.3(CAPN3):c.363C>G; p.Ile121Met; c.363C>G, p.Ile121Met (NM_024344.2, NM_173087.2); short protein forms I121M.
Identifiers: ClinVar variation 496977 (VCV000496977.10), dbSNP rs901764287, ClinGen allele CA269832799.

ClinVar aggregate classification (germline): Likely pathogenic. Review status: reviewed by expert panel (3 of 4 stars). 4 submissions from 4 submitters: Likely pathogenic (1). 3 of the submissions do not count toward it. Last evaluated 2025-01-07.

Conditions:
Autosomal recessive limb-girdle muscular dystrophy. Identifiers: Orphanet 102015, MedGen C2931907, MONDO:0015152.
Autosomal recessive limb-girdle muscular dystrophy type 2A (LGMDR1). Also called: LEYDEN-MOEBIUS MUSCULAR DYSTROPHY; MUSCULAR DYSTROPHY, PELVOFEMORAL; Limb-girdle muscular dystrophy, type 2A; Calpainopathy; Muscular dystrophy, limb-girdle, type 2A, Amish. Identifiers: Orphanet 267, MedGen C1869123, MONDO:0009675, OMIM 253600. Disease mechanism: loss of function.

Allele frequency attached by ClinVar (database versions not stated): gnomAD 0.00001.
gnomAD v4.1: 8 of 1,613,466 alleles (0.0005%); highest among the groups gnomAD compares: African/African-American, 0.0013%; no homozygotes.

Submissions (4):

ClinGen Limb Girdle Muscular Dystrophy Variant Curation Expert Panel, ClinGen
Classification: Likely pathogenic for Autosomal recessive limb-girdle muscular dystrophy. Last evaluated: 2025-01-07. Review status: reviewed by expert panel. Criteria: ClinGen LGMD VCEP ACMG Specifications CAPN3 V1.0.0. Collection method: curation. Allele origin: germline. Inheritance: Autosomal recessive inheritance.
Comment: The NM_000070.3: c.363C>G variant in CAPN3 is a missense variant predicted to cause substitution of isoleucine by methionine at amino acid 121 (p.Ile121Met). This variant has been detected in at least five individuals with LGMD (PMID: 230564623; LOVD CAPN3_000401; ClinVar SCV003459936.1 internal data communication). In at least three of these patients, the variant was identified in unknown phase with a pathogenic variant (c.550del p.(Thr184ArgfsTer36), 1.0 pt; c.2362_2363delinsTCATCT p.(Arg788SerfsTer14), 0.5 pts), and in one patient it was confirmed in trans with a pathogenic variant (c.146G>A (p.Arg49His), 1.0 pt) (PM3_Strong). At least one patient with this variant displayed progressive limb girdle muscle weakness or a clinical suspicion of LGMD (PMID: 230564623; LOVD Individual #00213632) (PP4). The highest population minor allele frequency in gnomAD v3.1.2 is 0.00002412 (1/41464 African/African American genome alleles), which is lower than the LGMD VECP threshold (≤0.0001) for PM2_Supporting, meeting this criterion (PM2_Supporting). The computational predictor REVEL gives a score of 0.89, which is above the VCEP threshold of ≥0.70, evidence that correlates with impact to CAPN3 function (PP3). In summary, this variant meets the criteria to be classified as Likely Pathogenic for autosomal recessive limb girdle muscular dystrophy based on the ACMG/AMP criteria applied, as specified by the ClinGen LGMD VCEP (LGMD VCEP specifications version 1.0.0; 01/07/2025): PM3_Strong, PP4, PM2_Supporting, PP3.

Labcorp Genetics (formerly Invitae), Labcorp
Classification: Likely pathogenic for Autosomal recessive limb-girdle muscular dystrophy type 2A. Last evaluated: 2024-05-20. Review status: criteria provided, single submitter. Criteria: Invitae Variant Classification Sherloc (09022015). Collection method: clinical testing. Allele origin: germline. Not counted in ClinVar's aggregate classification.
Comment: This sequence change replaces isoleucine, which is neutral and non-polar, with methionine, which is neutral and non-polar, at codon 121 of the CAPN3 protein (p.Ile121Met). This variant is present in population databases (no rsID available, gnomAD 0.01%). This missense change has been observed in individual(s) with clinical features of autosomal recessive limb girdle muscular dystrophy (PMID: 32528171; Invitae). In at least one individual the data is consistent with being in trans (on the opposite chromosome) from a pathogenic variant. ClinVar contains an entry for this variant (Variation ID: 496977). Advanced modeling of protein sequence and biophysical properties (such as structural, functional, and spatial information, amino acid conservation, physicochemical variation, residue mobility, and thermodynamic stability) performed at Invitae indicates that this missense variant is expected to disrupt CAPN3 protein function with a positive predictive value of 80%. This variant disrupts the p.Ile121 amino acid residue in CAPN3. Other variant(s) that disrupt this residue have been observed in individuals with CAPN3-related conditions (PMID: 28403181), which suggests that this may be a clinically significant amino acid residue. In summary, the currently available evidence indicates that the variant is pathogenic, but additional data are needed to prove that conclusively. Therefore, this variant has been classified as Likely Pathogenic.

Revvity Omics, Revvity
Classification: Likely pathogenic. Last evaluated: 2023-09-27. Review status: criteria provided, single submitter. Criteria: ACMG Guidelines, 2015. Collection method: clinical testing. Allele origin: germline. Not counted in ClinVar's aggregate classification.

Eurofins Ntd Llc (ga)
Classification: Uncertain significance. Last evaluated: 2016-10-10. Review status: criteria provided, single submitter. Criteria: EGL Classification Definitions 2015. Collection method: clinical testing. Allele origin: germline. Observed: 3 variant alleles, 3 heterozygotes. Not counted in ClinVar's aggregate classification.

Literature cited by the submitters: PubMed 32528171 (cited by Labcorp Genetics (formerly Invitae), Labcorp); PubMed 28403181 (cited by Labcorp Genetics (formerly Invitae), Labcorp).